The following is an entry in ClinVar:

ClinVar aggregate classification (germline): Uncertain significance (1 of 4 stars; one submission).

gnomAD v4.1: 668 of 1,603,888 alleles (0.042%); highest among the groups gnomAD compares: Non-Finnish European, 0.055%; 1 homozygote.

Submission:

GeneDx
Classification: Uncertain significance. Last evaluated: 2026-02-24. Review status: criteria provided, single submitter. Criteria: GeneDx Variant Classification Process June 2021. Collection method: clinical testing. Allele origin: germline.
Comment: In silico analysis supports that this missense variant has a deleterious effect on protein structure/function; Has not been previously published as pathogenic or benign to our knowledge

NM_016111.4(TELO2):c.2392C>T (p.Arg798Trp)

Gene: TELO2 (telomere maintenance 2; plus strand). Cytogenetic location: 16p13.3.
Variant type: single nucleotide variant.
Coding change: c.2392C>T on transcript NM_016111.4 (MANE Select); coding-DNA position 2392, C replaced by T.
Protein change: p.Arg798Trp; replaces arginine 798 with tryptophan.
Molecular consequence: missense variant.
Genome position (GRCh38, 1-based): chr16:1,507,701, C>T. VCF-style: chr16-1507701-C-T. GRCh37 (hg19) VCF-style: chr16-1557702-C-T.
Other names: c.2392C>T, p.Arg798Trp (NM_001351846.2); short protein forms R798W.
Identifiers: ClinVar variation 4887911 (VCV004887911.1).
Genomic context (GRCh38, chr16:1,507,701, plus strand): 5'-CTGCTCAGCCTGCCTGCTGCGCGCCTGCTGGAGGACCTGATGGACGAGCTGCTGGAAGCC[C>T]GGTCCTGGCTGGCGGGTGAGTGTCGGCCTGCGGTGTGTGTGTGAGATGTGTGTCGGCCCG-3'
Protein context (NP_057195.2, residues 788-808): EDLMDELLEA[Arg798Trp]SWLADVAEKD